The following is an entry in ClinVar:

ClinVar aggregate classification (germline): Uncertain significance (1 of 4 stars; one submission).

Conditions:
Fanconi anemia complementation group E (FANCE). Also called: FANCE-Related Fanconi Anemia. Identifiers: Orphanet 84, MedGen C3160739, MONDO:0010953, OMIM 600901.

Submission:

Labcorp Genetics (formerly Invitae), Labcorp
Classification: Uncertain significance for Fanconi anemia complementation group E. Last evaluated: 2016-03-27. Review status: criteria provided, single submitter. Criteria: Invitae Variant Classification Sherloc (09022015). Collection method: clinical testing. Allele origin: germline.
Comment: In summary, this variant is a novel missense change with uncertain impact on protein function and mRNA splicing. It has been classified as a Variant of Uncertain Significance. Algorithms developed to predict the effect of missense changes on protein structure and function do not agree on the potential impact of this missense change (SIFT: "Tolerated"; PolyPhen-2: "Probably Damaging"; Align-GVGD: "Class C0"). However, algorithms developed to predict the effect of sequence changes on mRNA splicing suggest that this variant may alter mRNA splicing, but this prediction has not been confirmed by published transcriptional studies. This variant is not present in population databases (ExAC no frequency) and has not been reported in the literature in individuals with a FANCE-related disease. This sequence change replaces proline with alanine at codon 353 of the FANCE protein (p.Pro353Ala). The proline residue is highly conserved and there is a small physicochemical difference between proline and alanine.

NM_021922.3(FANCE):c.1057C>G (p.Pro353Ala)

Gene: FANCE (FA complementation group E; plus strand). Cytogenetic location: 6p21.31.
Variant type: single nucleotide variant.
Coding change: c.1057C>G on transcript NM_021922.3 (MANE Select); coding-DNA position 1057, C replaced by G.
Protein change: p.Pro353Ala; replaces proline 353 with alanine.
Molecular consequence: missense variant.
Genome position (GRCh38, 1-based): chr6:35,458,384, C>G. VCF-style: chr6-35458384-C-G. GRCh37 (hg19) VCF-style: chr6-35426161-C-G.
Other names: short protein forms P353A.
Identifiers: ClinVar variation 241391 (VCV000241391.5), dbSNP rs878855070, ClinGen allele CA10582449.